The following is an entry in ClinVar:

ClinVar aggregate classification (germline): Uncertain significance (1 of 4 stars; one submission).

Submission:

Labcorp Genetics (formerly Invitae), Labcorp
Classification: Uncertain significance. Last evaluated: 2025-03-17. Review status: criteria provided, single submitter. Criteria: Invitae Variant Classification Sherloc (09022015). Collection method: clinical testing. Allele origin: germline.
Comment: This sequence change replaces isoleucine, which is neutral and non-polar, with lysine, which is basic and polar, at codon 3113 of the USH2A protein (p.Ile3113Lys). This variant is not present in population databases (gnomAD no frequency). This variant has not been reported in the literature in individuals affected with USH2A-related conditions. ClinVar contains an entry for this variant (Variation ID: 1045871). Invitae Evidence Modeling of protein sequence and biophysical properties (such as structural, functional, and spatial information, amino acid conservation, physicochemical variation, residue mobility, and thermodynamic stability) indicates that this missense variant is not expected to disrupt USH2A protein function with a negative predictive value of 95%. In summary, the available evidence is currently insufficient to determine the role of this variant in disease. Therefore, it has been classified as a Variant of Uncertain Significance.

NM_206933.4(USH2A):c.9338T>A (p.Ile3113Lys)

Gene: USH2A (usherin; minus strand). Cytogenetic location: 1q41.
Variant type: single nucleotide variant.
Coding change: c.9338T>A on transcript NM_206933.4 (MANE Select); coding-DNA position 9338, T replaced by A.
Protein change: p.Ile3113Lys; replaces isoleucine 3113 with lysine.
Molecular consequence: missense variant.
Genome position (GRCh38, 1-based): chr1:215,838,024, A>T on the plus strand (T>A on the coding strand, the complement: USH2A is on the minus strand). VCF-style: chr1-215838024-A-T. GRCh37 (hg19) VCF-style: chr1-216011366-A-T.
Other names: short protein forms I3113K.
Identifiers: ClinVar variation 1045871 (VCV001045871.8), dbSNP rs1345373932, ClinGen allele CA344834842.
Genomic context (GRCh38, chr1:215,838,024, plus strand): 5'-AGATTTAACTGACACAAAATTTTGTACCTTGAAGTGATGCCACGAATTGTGGGTGTTGGT[A>T]TATCACTTGGAGTGTCTTCCACAGTGGTAATTTGGGTTCCATTGCTTTTCACGCAGGCAT-3'
Protein context (NP_996816.3, residues 3103-3123): ITTVEDTPSD[Ile3113Lys]PTPTIRGITS